The following is an entry in ClinVar:

ClinVar aggregate classification (germline): Uncertain significance. Review status: criteria provided, single submitter (1 of 4 stars). 2 submissions from 2 submitters: Uncertain significance (1). 1 of the submissions does not count toward it. Last evaluated 2024-03-20.

Conditions:
Cystic fibrosis (CF). Also called: MUCOVISCIDOSIS. Identifiers: Orphanet 586, MedGen C0010674, MONDO:0009061, OMIM 219700. Disease mechanism: loss of function.

Allele frequency attached by ClinVar (database versions not stated): gnomAD 0.00001; ESP Exome Variant Server 0.00008; gnomAD exomes 0.00001; ExAC 0.00002; TOPMed below 0.00001.
gnomAD v4.1: 2 of 1,611,864 alleles (0.00012%); highest among the groups gnomAD compares: Non-Finnish European, 0.000085%; no homozygotes.

Submissions (2):

Women's Health and Genetics/Laboratory Corporation of America, LabCorp
Classification: Uncertain significance. Last evaluated: 2024-03-20. Review status: criteria provided, single submitter. Criteria: LabCorp Variant Classification Summary - May 2015. Collection method: clinical testing. Allele origin: germline.
Comment: Variant summary: CFTR c.1907T>C (p.Leu636Pro) results in a non-conservative amino acid change located in the ABC transporter-like, ATP-binding domain (IPR003439) of the encoded protein sequence. Two of four in-silico tools predict a benign effect of the variant on protein function. The variant allele was found at a frequency of 8e-06 in 249500 control chromosomes. The available data on variant occurrences in the general population are insufficient to allow any conclusion about variant significance. These data do not allow any conclusion about variant significance. To our knowledge, no experimental evidence demonstrating an impact on protein function has been reported. The following publications have been ascertained in the context of this evaluation (PMID: 36238762, 25944622). ClinVar contains an entry for this variant (Variation ID: 551941). Based on the evidence outlined above, the variant was classified as uncertain significance.

Counsyl
Classification: Uncertain significance for Cystic fibrosis. Last evaluated: 2017-05-17. Review status: no assertion criteria provided. Collection method: clinical testing. Allele origin: unknown. Not counted in ClinVar's aggregate classification.

Literature cited by the submitters: PubMed 36238762 (cited by Women's Health and Genetics/Laboratory Corporation of America, LabCorp); PubMed 25944622 (cited by Women's Health and Genetics/Laboratory Corporation of America, LabCorp).

NM_000492.4(CFTR):c.1907T>C (p.Leu636Pro)

Gene: CFTR (CF transmembrane conductance regulator; plus strand). Cytogenetic location: 7q31.2.
Variant type: single nucleotide variant.
Coding change: c.1907T>C on transcript NM_000492.4 (MANE Select); coding-DNA position 1907, T replaced by C.
Protein change: p.Leu636Pro; replaces leucine 636 with proline.
Molecular consequence: missense variant.
Genome position (GRCh38, 1-based): chr7:117,592,074, T>C. VCF-style: chr7-117592074-T-C. GRCh37 (hg19) VCF-style: chr7-117232128-T-C.
Other names: short protein forms L636P.
Identifiers: ClinVar variation 551941 (VCV000551941.5), dbSNP rs374702882, ClinGen allele CA4451111.